The following is an entry in ClinVar:

NM_000260.4(MYO7A):c.5743-262G>C

Gene: MYO7A (myosin VIIA; plus strand). Cytogenetic location: 11q13.5.
Variant type: single nucleotide variant.
Coding change: c.5743-262G>C on transcript NM_000260.4 (MANE Select); 262 bases into the intron before coding-DNA position 5743, G replaced by C.
Molecular consequence: intron variant.
Genome position (GRCh38, 1-based): chr11:77,207,027, G>C. VCF-style: chr11-77207027-G-C. GRCh37 (hg19) VCF-style: chr11-76918072-G-C.
Other names: c.5596-262G>C (NM_001369365.1); c.5629-262G>C (NM_001127180.2).
Identifiers: ClinVar variation 680670 (VCV000680670.2), dbSNP rs3819171, ClinGen allele CA13422794.

ClinVar aggregate classification (germline): Benign. Review status: criteria provided, multiple submitters, no conflicts (2 of 4 stars). 2 submissions from 2 submitters: Benign (2). Last evaluated 2018-06-14.

Allele frequency attached by ClinVar (database versions not stated): 1000 Genomes Project 30x 0.40240; 1000 Genomes Project 0.40735; TOPMed 0.44885; gnomAD 0.45901 and 0.45973; gnomAD exomes 0.54419.
gnomAD v4.1: 182,640 of 359,098 alleles (51%); highest among the groups gnomAD compares: Admixed American, 60%; 50,333 homozygotes.

Submissions (2):

GeneDx
Classification: Benign. Last evaluated: 2018-06-14. Review status: criteria provided, single submitter. Criteria: GeneDx Variant Classification (06012015). Collection method: clinical testing. Allele origin: germline. Affected: yes.
Comment: This variant is considered likely benign or benign based on one or more of the following criteria: it is a conservative change, it occurs at a poorly conserved position in the protein, it is predicted to be benign by multiple in silico algorithms, and/or has population frequency not consistent with disease.

Breakthrough Genomics
Classification: Benign. Review status: criteria provided, single submitter. Criteria: ACMG Guidelines, 2015. Collection method: not provided. Allele origin: germline. Inheritance: Autosomal recessive inheritance. Affected: yes.